The following is an entry in ClinVar:

NM_001005273.3(CHD3):c.2192C>T (p.Ala731Val)

Gene: CHD3 (chromodomain helicase DNA binding protein 3; plus strand). Cytogenetic location: 17p13.1.
Variant type: single nucleotide variant.
Coding change: c.2192C>T on transcript NM_001005273.3 (MANE Select); coding-DNA position 2192, C replaced by T.
Protein change: p.Ala731Val; replaces alanine 731 with valine.
Molecular consequence: missense variant.
Genome position (GRCh38, 1-based): chr17:7,899,051, C>T. VCF-style: chr17-7899051-C-T. GRCh37 (hg19) VCF-style: chr17-7802369-C-T.
Other names: c.2369C>T, p.Ala790Val (NM_001005271.3, NM_001437504.1); c.2357C>T, p.Ala786Val (NM_001437507.1, NM_001437508.1, NM_001437509.1); c.2192C>T, p.Ala731Val (NM_005852.4); short protein forms A731V, A786V, A790V.
Identifiers: ClinVar variation 4086394 (VCV004086394.1).

ClinVar aggregate classification (germline): Uncertain significance (1 of 4 stars; one submission).

Submission:

GeneDx
Classification: Uncertain significance. Last evaluated: 2025-03-20. Review status: criteria provided, single submitter. Criteria: GeneDx Variant Classification Process June 2021. Collection method: clinical testing. Allele origin: germline. Affected: yes.
Comment: Not observed at significant frequency in large population cohorts (gnomAD); In silico analysis supports that this missense variant has a deleterious effect on protein structure/function; Has not been previously published as pathogenic or benign to our knowledge